The following is an entry in ClinVar:

NM_005896.4(IDH1):c.1151C>G (p.Pro384Arg)

Gene: IDH1 (isocitrate dehydrogenase (NADP(+)) 1; minus strand). Cytogenetic location: 2q34.
Variant type: single nucleotide variant.
Coding change: c.1151C>G on transcript NM_005896.4 (MANE Select); coding-DNA position 1151, C replaced by G.
Protein change: p.Pro384Arg; replaces proline 384 with arginine.
Molecular consequence: missense variant.
Genome position (GRCh38, 1-based): chr2:208,239,074, G>C on the plus strand (C>G on the coding strand, the complement: IDH1 is on the minus strand). VCF-style: chr2-208239074-G-C. GRCh37 (hg19) VCF-style: chr2-209103798-G-C.
Other names: c.1151C>G, p.Pro384Arg (NM_001282386.1, NM_001282387.1); short protein forms P384R.
Identifiers: ClinVar variation 3285235 (VCV003285235.1).

ClinVar aggregate classification (germline): Uncertain significance (1 of 4 stars; one submission).

Submission:

Ambry Genetics
Classification: Uncertain significance. Last evaluated: 2024-04-01. Review status: criteria provided, single submitter. Criteria: Ambry Variant Classification Scheme 2023. Collection method: clinical testing. Allele origin: germline.
Comment: The p.P384R variant (also known as c.1151C>G), located in coding exon 7 of the IDH1 gene, results from a C to G substitution at nucleotide position 1151. The proline at codon 384 is replaced by arginine, an amino acid with dissimilar properties. This amino acid position is conserved. In addition, the in silico prediction for this alteration is inconclusive. Based on the available evidence, the clinical significance of this alteration remains unclear.